The following is an entry in ClinVar:

NM_178170.3(NEK8):c.1598C>T (p.Ser533Phe)

Genes: NEK8 (NIMA related kinase 8; plus strand), LOC130060573 (ATAC-STARR-seq lymphoblastoid active region 11950; plus strand). Cytogenetic location: 17q11.2.
Variant type: single nucleotide variant.
Coding change: c.1598C>T on transcript NM_178170.3 (MANE Select); coding-DNA position 1598, C replaced by T.
Protein change: p.Ser533Phe; replaces serine 533 with phenylalanine.
Molecular consequence: missense variant.
Genome position (GRCh38, 1-based): chr17:28,740,851, C>T. VCF-style: chr17-28740851-C-T. GRCh37 (hg19) VCF-style: chr17-27067869-C-T.
Other names: short protein forms S533F.
Identifiers: ClinVar variation 3581787 (VCV003581787.3).
Genomic context (GRCh38, chr17:28,740,851, plus strand): 5'-AGTTGGATTTGGCTTCTGGCTCTGCCCTCAGGTTCAACAAGCTGGGCCTGGACCACCTCT[C>T]CCTGGGGGAGGAGCCTGTCCCCCACCAGCAAGTGGAGGAGGCCCTGAGCTTCACACTACT-3'
Protein context (NP_835464.1, residues 523-543): RFNKLGLDHL[Ser533Phe]LGEEPVPHQQ

ClinVar aggregate classification (germline): Uncertain significance. Review status: criteria provided, multiple submitters, no conflicts (2 of 4 stars). 2 submissions from 2 submitters: Uncertain significance (2). Last evaluated 2025-06-12.

Conditions:
Nephronophthisis 9 (NPHP9). Identifiers: Orphanet 655, MedGen C3151188, MONDO:0013444, OMIM 613824.
Renal-hepatic-pancreatic dysplasia 2 (RHPD2). Identifiers: MedGen C3809434, MONDO:0014174, OMIM 615415.
Polycystic kidney disease 8. Identifiers: MedGen C5935640, MONDO:0971178, OMIM 620903.

Submissions (2):

Labcorp Genetics (formerly Invitae), Labcorp
Classification: Uncertain significance for Nephronophthisis 9. Last evaluated: 2025-06-12. Review status: criteria provided, single submitter. Criteria: Invitae Variant Classification Sherloc (09022015). Collection method: clinical testing. Allele origin: germline.
Comment: This sequence change replaces serine, which is neutral and polar, with phenylalanine, which is neutral and non-polar, at codon 533 of the NEK8 protein (p.Ser533Phe). This variant is not present in population databases (gnomAD no frequency). This variant has not been reported in the literature in individuals affected with NEK8-related conditions. ClinVar contains an entry for this variant (Variation ID: 3581787). An algorithm developed to predict the effect of missense changes on protein structure and function (PolyPhen-2) suggests that this variant is likely to be tolerated. In summary, the available evidence is currently insufficient to determine the role of this variant in disease. Therefore, it has been classified as a Variant of Uncertain Significance.

Fulgent Genetics
Classification: Uncertain significance for Nephronophthisis 9; Renal-hepatic-pancreatic dysplasia 2; Polycystic kidney disease 8. Last evaluated: 2024-03-20. Review status: criteria provided, single submitter. Criteria: ACMG Guidelines, 2015. Collection method: clinical testing. Allele origin: germline.